The following is an entry in ClinVar:

NM_001257096.2(PAX1):c.*177G>A

Gene: PAX1 (paired box 1; plus strand). Cytogenetic location: 20p11.22.
Variant type: single nucleotide variant.
Coding change: c.*177G>A on transcript NM_001257096.2 (MANE Select); 177 bases downstream of the stop codon, G replaced by A.
Molecular consequence: 3 prime UTR variant. On other transcripts: nonsense (1).
Genome position (GRCh38, 1-based): chr20:21,714,739, G>A. VCF-style: chr20-21714739-G-A. GRCh37 (hg19) VCF-style: chr20-21695377-G-A.
Other names: c.1541G>A, p.Trp514Ter (NM_006192.5); short protein forms W514*.
Identifiers: ClinVar variation 1393771 (VCV001393771.4), dbSNP rs1272800616, ClinGen allele CA408500311.

ClinVar aggregate classification (germline): Uncertain significance (1 of 4 stars; one submission).

Allele frequency attached by ClinVar (database versions not stated): gnomAD exomes below 0.00001.
gnomAD v4.1: 2 of 1,604,042 alleles (0.00012%); highest among the groups gnomAD compares: Middle Eastern, 0.016%; no homozygotes.

Submission:

Labcorp Genetics (formerly Invitae), Labcorp
Classification: Uncertain significance. Last evaluated: 2022-08-23. Review status: criteria provided, single submitter. Criteria: Invitae Variant Classification Sherloc (09022015). Collection method: clinical testing. Allele origin: germline.
Comment: This sequence change creates a premature translational stop signal (p.Trp514*) in the PAX1 gene. While this is not anticipated to result in nonsense mediated decay, it is expected to disrupt the last 21 amino acid(s) of the PAX1 protein. This variant is present in population databases (no rsID available, gnomAD 0.0009%). This variant has not been reported in the literature in individuals affected with PAX1-related conditions. ClinVar contains an entry for this variant (Variation ID: 1393771). Algorithms developed to predict the effect of sequence changes on RNA splicing suggest that this variant may create or strengthen a splice site. In summary, the available evidence is currently insufficient to determine the role of this variant in disease. Therefore, it has been classified as a Variant of Uncertain Significance.